The following is an entry in ClinVar:

ClinVar aggregate classification (germline): Likely benign (0 of 4 stars; one submission).

Conditions:
PLXNB1-related disorder. Also called: PLXNB1-related condition.

Allele frequency attached by ClinVar (database versions not stated): gnomAD exomes 0.00009; ExAC 0.00031; gnomAD 0.00083; TOPMed 0.00093; 1000 Genomes Project 0.00100; 1000 Genomes Project 30x 0.00109; ESP Exome Variant Server 0.00138.

Submission:

PreventionGenetics, part of Exact Sciences
Classification: Likely benign for PLXNB1-related condition. Last evaluated: 2019-03-11. Review status: no assertion criteria provided. Collection method: clinical testing. Allele origin: germline.
Comment: This variant is classified as likely benign based on ACMG/AMP sequence variant interpretation guidelines (Richards et al. 2015 PMID: 25741868, with internal and published modifications).

NM_001130082.3(PLXNB1):c.819C>T (p.Tyr273=)

Gene: PLXNB1 (plexin B1; minus strand). Cytogenetic location: 3p21.31.
Variant type: single nucleotide variant.
Coding change: c.819C>T on transcript NM_001130082.3 (MANE Select); coding-DNA position 819, C replaced by T.
Protein change: p.Tyr273=; no amino-acid change (tyrosine 273 retained).
Molecular consequence: synonymous variant.
Genome position (GRCh38, 1-based): chr3:48,423,793, G>A on the plus strand (C>T on the coding strand, the complement: PLXNB1 is on the minus strand). VCF-style: chr3-48423793-G-A. GRCh37 (hg19) VCF-style: chr3-48465202-G-A.
Other names: c.819C>T, p.Tyr273= (NM_002673.6).
Identifiers: ClinVar variation 3058790 (VCV003058790.2), dbSNP rs146270302, ClinGen allele CA2375279.